The following is an entry in ClinVar:

ClinVar aggregate classification (germline): Pathogenic (1 of 4 stars; one submission).

Conditions:
Duchenne muscular dystrophy (DMD). Also called: Duchenne Muscular Dystrophy (DMD); MUSCULAR DYSTROPHY, PSEUDOHYPERTROPHIC PROGRESSIVE, DUCHENNE TYPE. Identifiers: Orphanet 98896, MedGen C0013264, MONDO:0010679, OMIM 310200.

Submission:

Labcorp Genetics (formerly Invitae), Labcorp
Classification: Pathogenic for Duchenne muscular dystrophy. Last evaluated: 2019-10-02. Review status: criteria provided, single submitter. Criteria: Invitae Variant Classification Sherloc (09022015). Collection method: clinical testing. Allele origin: germline.
Comment: This variant is an out-of-frame deletion of the genomic region encompassing exons 46-49 of the DMD gene. This is expected to create a premature translational stop signal and result in an absent or disrupted protein product. A similar deletion of exons 46-49 has been reported in several individuals affected with Duchenne or Becker muscular dystrophy (PMID: 9007319, 18445268, 10541573). Loss-of-function variants in DMD are known to be pathogenic (PMID: 16770791, 25007885). For these reasons, this variant has been classified as Pathogenic.

Literature cited by the submitters: PubMed 18445268; PubMed 10541573; PubMed 9007319.

NC_000023.11:g.(?_31836708)_(31965029_?)del

Gene: DMD (dystrophin; minus strand). Cytogenetic location: Xp21.1.
Variant type: Deletion.
Identifiers: ClinVar variation 830691 (VCV000830691.1).